The following is an entry in ClinVar:

ClinVar aggregate classification (germline): Uncertain significance (1 of 4 stars; one submission).

Conditions:
Cystic fibrosis (CF). Also called: MUCOVISCIDOSIS. Identifiers: Orphanet 586, MedGen C0010674, MONDO:0009061, OMIM 219700. Disease mechanism: loss of function.

Submission:

Labcorp Genetics (formerly Invitae), Labcorp
Classification: Uncertain significance for Cystic fibrosis. Last evaluated: 2022-03-11. Review status: criteria provided, single submitter. Criteria: Invitae Variant Classification Sherloc (09022015). Collection method: clinical testing. Allele origin: germline.
Comment: Algorithms developed to predict the effect of missense changes on protein structure and function are either unavailable or do not agree on the potential impact of this missense change (SIFT: "Deleterious"; PolyPhen-2: "Benign"; Align-GVGD: "Class C0"). In summary, the available evidence is currently insufficient to determine the role of this variant in disease. Therefore, it has been classified as a Variant of Uncertain Significance. This variant disrupts the p.Ser1251 amino acid residue in CFTR. Other variant(s) that disrupt this residue have been determined to be pathogenic (PMID: 1284535, 17481968, 22293084, 23974870, 26989879). This suggests that this residue is clinically significant, and that variants that disrupt this residue are likely to be disease-causing. This variant has not been reported in the literature in individuals affected with CFTR-related conditions. This variant is not present in population databases (gnomAD no frequency). This sequence change replaces serine, which is neutral and polar, with threonine, which is neutral and polar, at codon 1251 of the CFTR protein (p.Ser1251Thr).

Literature cited by the submitters: PubMed 1284535; PubMed 17481968; PubMed 22293084; PubMed 23974870; PubMed 26989879.

NM_000492.4(CFTR):c.3752G>C (p.Ser1251Thr)

Genes: CFTR (CF transmembrane conductance regulator; plus strand), CFTR-AS2 (CFTR antisense RNA 2; minus strand). Cytogenetic location: 7q31.2.
Variant type: single nucleotide variant.
Coding change: c.3752G>C on transcript NM_000492.4 (MANE Select); coding-DNA position 3752, G replaced by C.
Protein change: p.Ser1251Thr; replaces serine 1251 with threonine.
Molecular consequence: missense variant.
Genome position (GRCh38, 1-based): chr7:117,642,472, G>C. VCF-style: chr7-117642472-G-C. GRCh37 (hg19) VCF-style: chr7-117282526-G-C.
Other names: short protein forms S1251T.
Identifiers: ClinVar variation 2109356 (VCV002109356.4), dbSNP rs74503330, ClinGen allele CA368974569.